The following is an entry in ClinVar:

ClinVar aggregate classification (germline): Benign/Likely benign. Review status: criteria provided, multiple submitters, no conflicts (2 of 4 stars). 4 submissions from 4 submitters: Benign (1); Likely benign (3). Last evaluated 2024-08-12.

Conditions:
Congenital lipoid adrenal hyperplasia due to STAR deficency. Also called: Cholesterol monooxygenase (side-chain cleaving) deficiency; ADRENAL HYPERPLASIA I; Lipoid adrenal hyperplasia; Congenital Lipoid Adrenal Hyperplasia. Identifiers: Orphanet 418, Orphanet 90790, MedGen C0342474, MONDO:0008725, OMIM 201710.

Allele frequency attached by ClinVar (database versions not stated): 1000 Genomes Project 30x 0.00796; gnomAD 0.01529 and 0.01566; TOPMed 0.01579; gnomAD exomes 0.02145; 1000 Genomes Project 0.00839.

Submissions (4):

Labcorp Genetics (formerly Invitae), Labcorp
Classification: Benign. Last evaluated: 2024-08-12. Review status: criteria provided, single submitter. Criteria: Invitae Variant Classification Sherloc (09022015). Collection method: clinical testing. Allele origin: germline.

GeneDx
Classification: Likely benign. Last evaluated: 2018-12-24. Review status: criteria provided, single submitter. Criteria: GeneDx Variant Classification Process June 2021. Collection method: clinical testing. Allele origin: germline. Affected: yes.
Comment: This variant is associated with the following publications: (PMID: 16901925)

Illumina Laboratory Services, Illumina
Classification: Likely benign for Congenital lipoid adrenal hyperplasia due to STAR deficency. Last evaluated: 2017-04-27. Review status: criteria provided, single submitter. Criteria: ICSL Variant Classification Criteria 13 December 2019. Collection method: clinical testing. Allele origin: germline.
Comment: This variant was observed as part of a predisposition screen in an ostensibly healthy population. A literature search was performed for the gene, cDNA change, and amino acid change (where applicable). No publications were found based on this search. Allele frequency data from public databases allowed determination this variant is unlikely to cause disease. Therefore, this variant is classified as likely benign.

Breakthrough Genomics
Classification: Likely benign. Review status: criteria provided, single submitter. Criteria: ACMG Guidelines, 2015. Collection method: not provided. Allele origin: germline. Inheritance: Autosomal recessive inheritance. Affected: yes.

NC_000008.11:g.38150990G>A

Genes: STAR (steroidogenic acute regulatory protein; minus strand), LOC108863620 (STAR 5' regulatory region; plus strand). Cytogenetic location: 8p11.23.
Variant type: single nucleotide variant.
Genome position: GRCh38 VCF-style: chr8-38150990-G-A. GRCh37 (hg19) VCF-style: chr8-38008508-G-A.
Identifiers: ClinVar variation 908499 (VCV000908499.14), dbSNP rs16887226, ClinGen allele CA175099003.